The following is an entry in ClinVar:

NM_000038.6(APC):c.3398A>G (p.Asp1133Gly)

Gene: APC (APC regulator of Wnt signaling pathway; plus strand). Cytogenetic location: 5q22.2.
Variant type: single nucleotide variant.
Coding change: c.3398A>G on transcript NM_000038.6 (MANE Select); coding-DNA position 3398, A replaced by G.
Protein change: p.Asp1133Gly; replaces aspartic acid 1133 with glycine.
Molecular consequence: missense variant. On other transcripts: non-coding transcript variant (2).
Genome position (GRCh38, 1-based): chr5:112,838,992, A>G. VCF-style: chr5-112838992-A-G. GRCh37 (hg19) VCF-style: chr5-112174689-A-G.
Other names: c.3452A>G, p.Asp1151Gly (NM_001407448.1, NM_001407449.1, NM_001354896.2 and 1 more transcripts); c.3398A>G, p.Asp1133Gly (NM_001407450.1, NM_001127510.3, NM_001354895.2); c.3377A>G, p.Asp1126Gly (NM_001407451.1); c.3368A>G, p.Asp1123Gly (NM_001407452.1); c.3221A>G, p.Asp1074Gly (NM_001407453.1, NM_001354901.2); c.3149A>G, p.Asp1050Gly (NM_001407454.1, NM_001407455.1, NM_001407456.1 and 1 more transcripts); c.3095A>G, p.Asp1032Gly (NM_001407458.1, NM_001407459.1, NM_001407460.1 and 1 more transcripts); c.3011A>G, p.Asp1004Gly (NM_001407467.1, NM_001407469.1); and 12 more; short protein forms D1007G, D1074G, D1115G, D1126G, D1143G, D1004G, D1032G, D1108G.
Identifiers: ClinVar variation 2852532 (VCV002852532.4), dbSNP rs1765414930, ClinGen allele CA16028780.

ClinVar aggregate classification (germline): Uncertain significance. Review status: criteria provided, multiple submitters, no conflicts (2 of 4 stars). 2 submissions from 2 submitters: Uncertain significance (2). Last evaluated 2025-06-09.

Conditions:
Familial adenomatous polyposis 1 (FAP1). Also called: FAMILIAL ADENOMATOUS POLYPOSIS 1, ATTENUATED; POLYPOSIS, ADENOMATOUS INTESTINAL. Identifiers: MedGen C2713442, MONDO:0021056, OMIM 175100. Disease mechanism: loss of function.
Hereditary cancer-predisposing syndrome. Also called: Neoplastic Syndromes, Hereditary; Hereditary Cancer Syndrome; Tumor predisposition; Hereditary neoplastic syndrome. Identifiers: Orphanet 140162, MedGen C0027672, MeSH D009386, MONDO:0015356.

Submissions (2):

Labcorp Genetics (formerly Invitae), Labcorp
Classification: Uncertain significance for Familial adenomatous polyposis 1. Last evaluated: 2025-06-09. Review status: criteria provided, single submitter. Criteria: Invitae Variant Classification Sherloc (09022015). Collection method: clinical testing. Allele origin: germline.
Comment: This sequence change replaces aspartic acid, which is acidic and polar, with glycine, which is neutral and non-polar, at codon 1133 of the APC protein (p.Asp1133Gly). This variant is not present in population databases (gnomAD no frequency). This variant has not been reported in the literature in individuals affected with APC-related conditions. ClinVar contains an entry for this variant (Variation ID: 2852532). Invitae Evidence Modeling of protein sequence and biophysical properties (such as structural, functional, and spatial information, amino acid conservation, physicochemical variation, residue mobility, and thermodynamic stability) indicates that this missense variant is not expected to disrupt APC protein function with a negative predictive value of 95%. In summary, the available evidence is currently insufficient to determine the role of this variant in disease. Therefore, it has been classified as a Variant of Uncertain Significance.

Ambry Genetics
Classification: Uncertain significance for Hereditary cancer-predisposing syndrome. Last evaluated: 2025-03-13. Review status: criteria provided, single submitter. Criteria: Ambry Variant Classification Scheme 2023. Collection method: clinical testing. Allele origin: germline.
Comment: The p.D1133G variant (also known as c.3398A>G), located in coding exon 15 of the APC gene, results from an A to G substitution at nucleotide position 3398. The aspartic acid at codon 1133 is replaced by glycine, an amino acid with similar properties. This amino acid position is highly conserved in available vertebrate species. In addition, in silico predictors for this gene do not accurately predict pathogenicity. Missense alterations in APC are not a common cause of disease (Spier I et al. Genet Med. 2024 Feb;26(2):100992). Based on the available evidence, the clinical significance of this variant remains unclear.